The following is an entry in ClinVar:

ClinVar aggregate classification (germline): Conflicting classifications of pathogenicity. Review status: criteria provided, conflicting classifications (1 of 4 stars). 2 submissions from 2 submitters: Likely pathogenic (1); Uncertain significance (1). Last evaluated 2026-08-07.

Conditions:
Multiple endocrine neoplasia, type 1 (MEN1). Also called: MEN I; WERMER SYNDROME; Endocrine adenomatosis multiple; MEN 1; MEA I. Identifiers: Orphanet 652, MedGen C0025267, MeSH D018761, MONDO:0007540, OMIM 131100.
Hereditary cancer-predisposing syndrome. Also called: Hereditary Cancer Syndrome; Hereditary neoplastic syndrome; Neoplastic Syndromes, Hereditary; Tumor predisposition. Identifiers: Orphanet 140162, MedGen C0027672, MeSH D009386, MONDO:0015356.

Submissions (2):

Ambry Genetics
Classification: Uncertain significance for Hereditary cancer-predisposing syndrome. Last evaluated: 2026-08-07. Review status: criteria provided, single submitter. Criteria: Ambry Variant Classification Scheme 2023. Collection method: clinical testing. Allele origin: germline.
Comment: The p.H46Y variant (also known as c.136C>T), located in coding exon 1 of the MEN1 gene, results from a C to T substitution at nucleotide position 136. The histidine at codon 46 is replaced by tyrosine, an amino acid with similar properties. This amino acid position is highly conserved in available vertebrate species. In addition, this alteration is predicted to be deleterious by in silico analysis. Based on the available evidence, the clinical significance of this variant remains unclear.

Labcorp Genetics (formerly Invitae), Labcorp
Classification: Likely pathogenic for Multiple endocrine neoplasia, type 1. Last evaluated: 2025-09-23. Review status: criteria provided, single submitter. Criteria: Invitae Variant Classification Sherloc (09022015). Collection method: clinical testing. Allele origin: germline.
Comment: This sequence change replaces histidine, which is basic and polar, with tyrosine, which is neutral and polar, at codon 46 of the MEN1 protein (p.His46Tyr). This variant is not present in population databases (gnomAD no frequency). This variant has not been reported in the literature in individuals affected with MEN1-related conditions. ClinVar contains an entry for this variant (Variation ID: 2560724). Invitae Evidence Modeling of protein sequence and biophysical properties (such as structural, functional, and spatial information, amino acid conservation, physicochemical variation, residue mobility, and thermodynamic stability) indicates that this missense variant is expected to disrupt MEN1 protein function with a positive predictive value of 95%. This variant disrupts the p.His46 amino acid residue in MEN1. Other variant(s) that disrupt this residue have been determined to be pathogenic (internal data). This suggests that this residue is clinically significant, and that variants that disrupt this residue are likely to be disease-causing. In summary, the currently available evidence indicates that the variant is pathogenic, but additional data are needed to prove that conclusively. Therefore, this variant has been classified as Likely Pathogenic.

NM_001370259.2(MEN1):c.136C>T (p.His46Tyr)

Gene: MEN1 (menin 1; minus strand). Cytogenetic location: 11q13.1.
Variant type: single nucleotide variant.
Coding change: c.136C>T on transcript NM_001370259.2 (MANE Select); coding-DNA position 136, C replaced by T.
Protein change: p.His46Tyr; replaces histidine 46 with tyrosine.
Molecular consequence: missense variant. On other transcripts: non-coding transcript variant (4).
Genome position (GRCh38, 1-based): chr11:64,809,974, G>A on the plus strand (C>T on the coding strand, the complement: MEN1 is on the minus strand). VCF-style: chr11-64809974-G-A. GRCh37 (hg19) VCF-style: chr11-64577446-G-A.
Other names: c.136C>T, p.His46Tyr (NM_130799.3, NM_130800.3, NM_130801.3 and 20 more transcripts); short protein forms H46Y.
Identifiers: ClinVar variation 2560724 (VCV002560724.4), dbSNP rs2136192749, ClinGen allele CA381187842.